The following is an entry in ClinVar:

ClinVar aggregate classification (germline): Uncertain significance. Review status: criteria provided, single submitter (1 of 4 stars). 2 submissions from 2 submitters: Uncertain significance (1). 1 of the submissions does not count toward it. Last evaluated 2024-12-10.

Conditions:
PLXNA1-related disorder. Also called: PLXNA1-related condition.

gnomAD v4.1: 17 of 1,613,790 alleles (0.0011%); highest among the groups gnomAD compares: African/African-American, 0.0013%; no homozygotes.

Submissions (2):

Ambry Genetics
Classification: Uncertain significance. Last evaluated: 2024-12-10. Review status: criteria provided, single submitter. Criteria: Ambry Variant Classification Scheme 2023. Collection method: clinical testing. Allele origin: germline.

PreventionGenetics, part of Exact Sciences
Classification: Uncertain significance for PLXNA1-related condition. Last evaluated: 2024-05-10. Review status: no assertion criteria provided. Collection method: clinical testing. Allele origin: germline. Not counted in ClinVar's aggregate classification.
Comment: The PLXNA1 c.5210G>A variant is predicted to result in the amino acid substitution p.Arg1737His. To our knowledge, this variant has not been reported in the literature. This variant is reported in 0.0016% of alleles in individuals of European (Non-Finnish) descent in gnomAD. At this time, the clinical significance of this variant is uncertain due to the absence of conclusive functional and genetic evidence.

NM_032242.4(PLXNA1):c.5210G>A (p.Arg1737His)

Gene: PLXNA1 (plexin A1; plus strand). Cytogenetic location: 3q21.3.
Variant type: single nucleotide variant.
Coding change: c.5210G>A on transcript NM_032242.4 (MANE Select); coding-DNA position 5210, G replaced by A.
Protein change: p.Arg1737His; replaces arginine 1737 with histidine.
Molecular consequence: missense variant.
Genome position (GRCh38, 1-based): chr3:127,030,391, G>A. VCF-style: chr3-127030391-G-A. GRCh37 (hg19) VCF-style: chr3-126749234-G-A.
Other names: short protein forms R1737H.
Identifiers: ClinVar variation 3353510 (VCV003353510.2).